The following is an entry in ClinVar:

ClinVar aggregate classification (germline): Uncertain significance (1 of 4 stars; one submission).

gnomAD v4.1: 8 of 1,614,126 alleles (0.0005%); highest among the groups gnomAD compares: Non-Finnish European, 0.00068%; no homozygotes.

Submission:

Labcorp Genetics (formerly Invitae), Labcorp
Classification: Uncertain significance. Last evaluated: 2020-04-07. Review status: criteria provided, single submitter. Criteria: Invitae Variant Classification Sherloc (09022015). Collection method: clinical testing. Allele origin: germline.
Comment: In summary, the available evidence is currently insufficient to determine the role of this variant in disease. Therefore, it has been classified as a Variant of Uncertain Significance. Algorithms developed to predict the effect of missense changes on protein structure and function (SIFT, PolyPhen-2, Align-GVGD) all suggest that this variant is likely to be disruptive, but these predictions have not been confirmed by published functional studies and their clinical significance is uncertain. This variant has not been reported in the literature in individuals with WHRN-related conditions. This variant is not present in population databases (ExAC no frequency). This sequence change replaces alanine with serine at codon 829 of the WHRN protein (p.Ala829Ser). The alanine residue is highly conserved and there is a moderate physicochemical difference between alanine and serine.

NM_015404.4(WHRN):c.2485G>T (p.Ala829Ser)

Gene: WHRN (whirlin; minus strand). Cytogenetic location: 9q32.
Variant type: single nucleotide variant.
Coding change: c.2485G>T on transcript NM_015404.4 (MANE Select); coding-DNA position 2485, G replaced by T.
Protein change: p.Ala829Ser; replaces alanine 829 with serine.
Molecular consequence: missense variant.
Genome position (GRCh38, 1-based): chr9:114,403,273, C>A on the plus strand (G>T on the coding strand, the complement: WHRN is on the minus strand). VCF-style: chr9-114403273-C-A. GRCh37 (hg19) VCF-style: chr9-117165553-C-A.
Other names: c.1336G>T, p.Ala446Ser (NM_001083885.3); c.2482G>T, p.Ala828Ser (NM_001173425.2); c.1432G>T, p.Ala478Ser (NM_001346890.1); short protein forms A446S, A478S, A828S, A829S.
Identifiers: ClinVar variation 1063436 (VCV001063436.9), dbSNP rs139597771, ClinGen allele CA374619224.